The following is an entry in ClinVar:

ClinVar aggregate classification (germline): Uncertain significance. Review status: criteria provided, multiple submitters, no conflicts (2 of 4 stars). 2 submissions from 2 submitters: Uncertain significance (2). Last evaluated 2025-01-22.

Conditions:
Pontocerebellar hypoplasia, type 13. Identifiers: Orphanet 613267, MedGen C5231425, MONDO:0032831, OMIM 618606.

Allele frequency attached by ClinVar (database versions not stated): TOPMed 0.00008; gnomAD 0.00009; ExAC 0.00016; 1000 Genomes Project 30x 0.00109.
gnomAD v4.1: 105 of 1,519,474 alleles (0.0069%); highest among the groups gnomAD compares: Admixed American, 0.048%; no homozygotes.

Submissions (2):

Ambry Genetics
Classification: Uncertain significance. Last evaluated: 2025-01-22. Review status: criteria provided, single submitter. Criteria: Ambry Variant Classification Scheme 2023. Collection method: clinical testing. Allele origin: germline.

Pittsburgh Clinical Genomics Laboratory, University of Pittsburgh Medical Center
Classification: Uncertain significance for Pontocerebellar hypoplasia, type 13. Last evaluated: 2024-06-11. Review status: criteria provided, single submitter. Criteria: ACMG Guidelines, 2015. Collection method: clinical testing. Allele origin: germline. Inheritance: Autosomal recessive inheritance. Affected: yes.
Comment: This sequence variant is a single nucleotide substitution (C>T) at position 32 of the coding sequence of the VPS51 gene that results in a proline to leucine amino acid change at residue 11 of the VPS51 subunit of GARP complex protein. This is a previously reported variant (ClinVar 2366203) that has not been observed in individuals affected by a VPS51-related disorder in the published literature, to our knowledge. This variant is present in 105 of 1519474 alleles (0.0069%) in the gnomAD v4.1.0 population dataset. Multiple bioinformatic tools predict that this amino acid change would be neutral, and the Pro11 residue at this position is poorly conserved across the vertebrate species examined. Studies examining the functional consequence of this variant have not been published, to our knowledge. At this time, there is insufficient evidence to determine if this variant is pathogenic or benign. Therefore, we consider this a variant of uncertain significance. ACMG Criteria: BP4

NM_013265.4(VPS51):c.32C>T (p.Pro11Leu)

Gene: VPS51 (VPS51 subunit of GARP complex; plus strand). Cytogenetic location: 11q13.1.
Variant type: single nucleotide variant.
Coding change: c.32C>T on transcript NM_013265.4 (MANE Select); coding-DNA position 32, C replaced by T.
Protein change: p.Pro11Leu; replaces proline 11 with leucine.
Molecular consequence: missense variant. On other transcripts: non-coding transcript variant (1).
Genome position (GRCh38, 1-based): chr11:65,096,282, C>T. VCF-style: chr11-65096282-C-T. GRCh37 (hg19) VCF-style: chr11-64863754-C-T.
Other names: short protein forms P11L.
Identifiers: ClinVar variation 2366203 (VCV002366203.4), dbSNP rs747134833, ClinGen allele CA6090244.